The following is an entry in ClinVar:

NM_152443.3(RDH12):c.152T>A (p.Ile51Asn)

Genes: GPHN (gephyrin; plus strand), RDH12 (retinol dehydrogenase 12; plus strand). Cytogenetic location: 14q24.1.
Variant type: single nucleotide variant.
Coding change: c.152T>A on transcript NM_152443.3 (MANE Select); coding-DNA position 152, T replaced by A.
Protein change: p.Ile51Asn; replaces isoleucine 51 with asparagine.
Molecular consequence: missense variant.
Genome position (GRCh38, 1-based): chr14:67,724,556, T>A. VCF-style: chr14-67724556-T-A. GRCh37 (hg19) VCF-style: chr14-68191273-T-A.
Other names: short protein forms I51N.
Identifiers: ClinVar variation 2057 (VCV000002057.6), dbSNP rs104894473, ClinGen allele CA252090.

ClinVar aggregate classification (germline): Likely pathogenic. Review status: criteria provided, single submitter (1 of 4 stars). 3 submissions from 3 submitters: Likely pathogenic (1). 2 of the submissions do not count toward it. Last evaluated 2022-11-01.

Conditions:
Leber congenital amaurosis 13 (LCA13). Identifiers: MedGen C2675186, MONDO:0012990, OMIM 612712.

Submissions (3):

Labcorp Genetics (formerly Invitae), Labcorp
Classification: Likely pathogenic for Leber congenital amaurosis 13. Last evaluated: 2022-11-01. Review status: criteria provided, single submitter. Criteria: Invitae Variant Classification Sherloc (09022015). Collection method: clinical testing. Allele origin: germline.
Comment: In summary, the currently available evidence indicates that the variant is pathogenic, but additional data are needed to prove that conclusively. Therefore, this variant has been classified as Likely Pathogenic. Experimental studies have shown that this missense change affects RDH12 function (PMID: 20006610, 21232531). Advanced modeling of protein sequence and biophysical properties (such as structural, functional, and spatial information, amino acid conservation, physicochemical variation, residue mobility, and thermodynamic stability) performed at Invitae indicates that this missense variant is expected to disrupt RDH12 protein function. ClinVar contains an entry for this variant (Variation ID: 2057). This missense change has been observed in individual(s) with autosomal recessive RDH12-related conditions (PMID: 15322982; Invitae). In at least one individual the data is consistent with being in trans (on the opposite chromosome) from a pathogenic variant. This variant is not present in population databases (gnomAD no frequency). This sequence change replaces isoleucine, which is neutral and non-polar, with asparagine, which is neutral and polar, at codon 51 of the RDH12 protein (p.Ile51Asn).

OMIM
Classification: Pathogenic for LEBER CONGENITAL AMAUROSIS 13. Last evaluated: 2004-10-01. Review status: no assertion criteria provided. Collection method: literature only. Allele origin: germline. Not counted in ClinVar's aggregate classification.

Laboratory of Genetics in Ophthalmology, Institut Imagine
Classification: Pathogenic for Leber congenital amaurosis 13. Review status: no assertion criteria provided. Collection method: research. Allele origin: inherited. Affected: yes. Observed: 2 variant alleles. Not counted in ClinVar's aggregate classification.

Literature cited by the submitters: PubMed 20006610 (cited by Labcorp Genetics (formerly Invitae), Labcorp); PubMed 21232531 (cited by Labcorp Genetics (formerly Invitae), Labcorp); PubMed 15322982 (cited by 3 submitters).